The following is an entry in ClinVar:

NM_005633.4(SOS1):c.512T>G (p.Val171Gly)

Gene: SOS1 (SOS Ras/Rac guanine nucleotide exchange factor 1; minus strand). Cytogenetic location: 2p22.1.
Variant type: single nucleotide variant.
Coding change: c.512T>G on transcript NM_005633.4 (MANE Select); coding-DNA position 512, T replaced by G.
Protein change: p.Val171Gly; replaces valine 171 with glycine.
Molecular consequence: missense variant.
Genome position (GRCh38, 1-based): chr2:39,054,822, A>C on the plus strand (T>G on the coding strand, the complement: SOS1 is on the minus strand). VCF-style: chr2-39054822-A-C. GRCh37 (hg19) VCF-style: chr2-39281963-A-C.
Other names: c.491T>G, p.Val164Gly (NM_001382394.1); c.512T>G, p.Val171Gly (NM_001382395.1); short protein forms V171G, V164G.
Identifiers: ClinVar variation 40654 (VCV000040654.18), dbSNP rs397517174, ClinGen allele CA136165.

ClinVar aggregate classification (germline): Conflicting classifications of pathogenicity. Review status: criteria provided, conflicting classifications (1 of 4 stars). 5 submissions from 5 submitters: Pathogenic (1); Likely pathogenic (3); Uncertain significance (1). Last evaluated 2025-03-05.

Conditions:
SOS1-related disorder. Also called: SOS1-related condition.
Inborn genetic diseases. Identifiers: MedGen C0950123, MeSH D030342.
RASopathy. Also called: rasopathies; Noonan spectrum disorder. Identifiers: Orphanet 536391, MedGen C5555857, MONDO:0021060.
Noonan syndrome 4 (NS4). Also called: SOS1-Related Noonan Syndrome; NOONAN SYNDROME WITH PIGMENTED VILLONODULAR SYNOVITIS. Identifiers: Orphanet 648, MedGen C1853120, MONDO:0012547, OMIM 610733.

Submissions (5):

PreventionGenetics, part of Exact Sciences
Classification: Likely pathogenic for SOS1-related condition. Last evaluated: 2025-03-05. Review status: criteria provided, single submitter. Criteria: ACMG Guidelines, 2015. Collection method: clinical testing. Allele origin: germline.
Comment: The SOS1 c.512T>G variant is predicted to result in the amino acid substitution p.Val171Gly. This variant has been reported in an individual with Noonan syndrome (Verberne et al. 2022. PubMed ID: 35253369) and in a fetus with congenital heart disease (Hakami et al. 2016. PubMed ID: 26918529). This variant has not been reported in a large population database (gnomAD), indicating this variant is rare. An alternate missense variant affecting this amino acid (p.Val171Ala) has been documented as likely pathogenic by the ClinGen RASopathy Variant Curation Expert Panel (ClinVar ID: 45373). This variant is interpreted as likely pathogenic.

Labcorp Genetics (formerly Invitae), Labcorp
Classification: Likely pathogenic for RASopathy. Last evaluated: 2024-10-14. Review status: criteria provided, single submitter. Criteria: Invitae Variant Classification Sherloc (09022015). Collection method: clinical testing. Allele origin: germline.
Comment: This sequence change replaces valine, which is neutral and non-polar, with glycine, which is neutral and non-polar, at codon 171 of the SOS1 protein (p.Val171Gly). This variant is not present in population databases (gnomAD no frequency). This missense change has been observed in individual(s) with clinical features of Noonan syndrome (PMID: 26918529, 35253369; internal data). In at least one individual the variant was observed to be de novo. ClinVar contains an entry for this variant (Variation ID: 40654). An algorithm developed to predict the effect of missense changes on protein structure and function (PolyPhen-2) suggests that this variant is likely to be disruptive. This variant disrupts the p.Val171 amino acid residue in SOS1. Other variant(s) that disrupt this residue have been observed in individuals with SOS1-related conditions (PMID: 29402968), which suggests that this may be a clinically significant amino acid residue. In summary, the currently available evidence indicates that the variant is pathogenic, but additional data are needed to prove that conclusively. Therefore, this variant has been classified as Likely Pathogenic.

Equipe Genetique des Anomalies du Developpement, Université de Bourgogne
Classification: Pathogenic for Noonan syndrome 4. Last evaluated: 2023-11-03. Review status: criteria provided, single submitter. Criteria: ACMG Guidelines, 2015. Collection method: clinical testing. Allele origin: de novo. Affected: yes.

Ambry Genetics
Classification: Likely pathogenic for Inborn genetic diseases. Last evaluated: 2017-05-26. Review status: criteria provided, single submitter. Criteria: Ambry exome assertion method (8-5-2015). Collection method: clinical testing. Allele origin: germline. Affected: yes. Observed: 1 variant allele.

Laboratory for Molecular Medicine, Mass General Brigham Personalized Medicine
Classification: Uncertain significance. Last evaluated: 2014-09-25. Review status: criteria provided, single submitter. Criteria: LMM Criteria. Collection method: clinical testing. Allele origin: germline. Observed: 1 variant allele.
Comment: Variant classified as Uncertain Significance - Favor Pathogenic. It was absent from large popul ation studies. Computational prediction tools and conservation analysis do not pro vide strong support for or against an impact to the protein. In summary, while t he available data on the Val171Gly variant is suspicious to be pathogenic, the c linical significance of this variant is uncertain.

Literature cited by the submitters: PubMed 26918529 (cited by Labcorp Genetics (formerly Invitae), Labcorp); PubMed 35253369 (cited by Labcorp Genetics (formerly Invitae), Labcorp); PubMed 29402968 (cited by Labcorp Genetics (formerly Invitae), Labcorp).